The following is an entry in ClinVar:

ClinVar aggregate classification (germline): Conflicting classifications of pathogenicity. Review status: criteria provided, conflicting classifications (1 of 4 stars). 3 submissions from 3 submitters: Uncertain significance (2); Likely benign (1). Last evaluated 2024-05-01.

Conditions:
Hereditary cancer-predisposing syndrome. Also called: Neoplastic Syndromes, Hereditary; Hereditary Cancer Syndrome; Tumor predisposition; Hereditary neoplastic syndrome. Identifiers: Orphanet 140162, MedGen C0027672, MeSH D009386, MONDO:0015356.
Hereditary breast ovarian cancer syndrome. Also called: Hereditary breast and ovarian cancer; Hereditary breast and/or ovarian cancer syndrome; Hereditary breast and ovarian cancer syndrome; Hereditary breast and ovarian cancer syndrome (HBOC); Breast and ovarian cancer; BRCA1- and BRCA2-Associated Hereditary Breast and Ovarian Cancer. Identifiers: Orphanet 145, MedGen C0677776, MeSH D061325, MONDO:0003582. Disease mechanism: loss of function.

Submissions (3):

Ambry Genetics
Classification: Uncertain significance for Hereditary cancer-predisposing syndrome. Last evaluated: 2024-05-01. Review status: criteria provided, single submitter. Criteria: Ambry Variant Classification Scheme 2023. Collection method: clinical testing. Allele origin: germline.
Comment: The p.K2043E variant (also known as c.6127A>G), located in coding exon 10 of the BRCA2 gene, results from an A to G substitution at nucleotide position 6127. The lysine at codon 2043 is replaced by glutamic acid, an amino acid with similar properties. This amino acid position is well conserved in available vertebrate species; however, glutamic acid is the reference amino acid in other vertebrate species. In addition, this alteration is predicted to be tolerated by in silico analysis. Based on the available evidence, the clinical significance of this variant remains unclear.

University of Washington Department of Laboratory Medicine, University of Washington
Classification: Likely benign for Hereditary cancer-predisposing syndrome. Last evaluated: 2023-03-23. Review status: criteria provided, single submitter. Criteria: Dines et al. (Genet Med. 2020). Collection method: curation. Allele origin: germline.
Comment: Missense variant in a coldspot region where missense variants are very unlikely to be pathogenic (PMID:31911673).

BRCA2 exon 11 coldspot. Reclassification based on statistical prior probability.

Labcorp Genetics (formerly Invitae), Labcorp
Classification: Uncertain significance for Hereditary breast ovarian cancer syndrome. Last evaluated: 2021-08-29. Review status: criteria provided, single submitter. Criteria: Invitae Variant Classification Sherloc (09022015). Collection method: clinical testing. Allele origin: germline.
Comment: Advanced modeling of protein sequence and biophysical properties (such as structural, functional, and spatial information, amino acid conservation, physicochemical variation, residue mobility, and thermodynamic stability) performed at Invitae indicates that this missense variant is not expected to disrupt BRCA2 protein function. This sequence change replaces lysine with glutamic acid at codon 2043 of the BRCA2 protein (p.Lys2043Glu). The lysine residue is weakly conserved and there is a small physicochemical difference between lysine and glutamic acid. This variant is not present in population databases (ExAC no frequency). This variant has not been reported in the literature in individuals affected with BRCA2-related conditions. In summary, the available evidence is currently insufficient to determine the role of this variant in disease. Therefore, it has been classified as a Variant of Uncertain Significance.

NM_000059.4(BRCA2):c.6127A>G (p.Lys2043Glu)

Gene: BRCA2 (BRCA2 DNA repair associated; plus strand). Cytogenetic location: 13q13.1.
Variant type: single nucleotide variant.
Coding change: c.6127A>G on transcript NM_000059.4 (MANE Select); coding-DNA position 6127, A replaced by G.
Protein change: p.Lys2043Glu; replaces lysine 2043 with glutamic acid.
Molecular consequence: missense variant.
Genome position (GRCh38, 1-based): chr13:32,340,482, A>G. VCF-style: chr13-32340482-A-G. GRCh37 (hg19) VCF-style: chr13-32914619-A-G.
Other names: c.6127A>G (NM_000059.3); short protein forms K2043E.
Identifiers: ClinVar variation 1375621 (VCV001375621.8), dbSNP rs2137524563, ClinGen allele CA387788187.